The following is an entry in ClinVar:

ClinVar aggregate classification (germline): Pathogenic (1 of 4 stars; one submission).

Submission:

Labcorp Genetics (formerly Invitae), Labcorp
Classification: Pathogenic. Last evaluated: 2022-12-06. Review status: criteria provided, single submitter. Criteria: Invitae Variant Classification Sherloc (09022015). Collection method: clinical testing. Allele origin: unknown.
Comment: For these reasons, this variant has been classified as Pathogenic. This variant has not been reported in the literature in individuals affected with ERCC3-related conditions. This variant is a gross deletion of the genomic region encompassing exon(s) 1-7 of the ERCC3 gene, which includes the initiator codon. This deletion extends beyond the assayed region for this gene and therefore may encompass additional genes. It is expected to result in an absent or disrupted protein product. Loss-of-function variants in ERCC3 are known to be pathogenic (PMID: 16947863).

Literature cited by the submitters: PubMed 16947863.

NC_000002.11:g.(?_128046216)_(128051657_?)del

Gene: ERCC3 (ERCC excision repair 3, TFIIH core complex helicase subunit; minus strand). Cytogenetic location: 2q14.3.
Variant type: Deletion.
Identifiers: ClinVar variation 3247457 (VCV003247457.1).